The following is an entry in ClinVar:

NM_001853.4(COL9A3):c.1208G>T (p.Gly403Val)

Gene: COL9A3 (collagen type IX alpha 3 chain; plus strand). Cytogenetic location: 20q13.33.
Variant type: single nucleotide variant.
Coding change: c.1208G>T on transcript NM_001853.4 (MANE Select); coding-DNA position 1208, G replaced by T.
Protein change: p.Gly403Val; replaces glycine 403 with valine.
Molecular consequence: missense variant.
Genome position (GRCh38, 1-based): chr20:62,830,406, G>T. VCF-style: chr20-62830406-G-T. GRCh37 (hg19) VCF-style: chr20-61461758-G-T.
Other names: short protein forms G403V.
Identifiers: ClinVar variation 1063601 (VCV001063601.9), dbSNP rs377664853, ClinGen allele CA9949818.

ClinVar aggregate classification (germline): Uncertain significance (1 of 4 stars; one submission).

Allele frequency attached by ClinVar (database versions not stated): ESP Exome Variant Server 0.00008.
gnomAD v4.1: 9 of 1,569,140 alleles (0.00057%); highest among the groups gnomAD compares: African/African-American, 0.012%; no homozygotes.

Submission:

Labcorp Genetics (formerly Invitae), Labcorp
Classification: Uncertain significance. Last evaluated: 2020-08-06. Review status: criteria provided, single submitter. Criteria: Invitae Variant Classification Sherloc (09022015). Collection method: clinical testing. Allele origin: germline.
Comment: In summary, the available evidence is currently insufficient to determine the role of this variant in disease. Therefore, it has been classified as a Variant of Uncertain Significance. Advanced modeling of protein sequence and biophysical properties (such as structural, functional, and spatial information, amino acid conservation, physicochemical variation, residue mobility, and thermodynamic stability) performed at Invitae indicates that this missense variant is expected to disrupt COL9A3 protein function. This variant has not been reported in the literature in individuals with COL9A3-related conditions. This variant is present in population databases (rs377664853, ExAC 0.03%). This sequence change replaces glycine with valine at codon 403 of the COL9A3 protein (p.Gly403Val). The glycine residue is highly conserved and there is a moderate physicochemical difference between glycine and valine.